The following is an entry in ClinVar:

ClinVar aggregate classification (germline): Benign/Likely benign. Review status: criteria provided, multiple submitters, no conflicts (2 of 4 stars). 2 submissions from 2 submitters: Benign (1); Likely benign (1). Last evaluated 2022-10-01.

Allele frequency attached by ClinVar (database versions not stated): ESP Exome Variant Server 0.00208; gnomAD 0.00210 and 0.00200; TOPMed 0.00216; 1000 Genomes Project 0.00220; 1000 Genomes Project 30x 0.00234; gnomAD exomes 0.00064; ExAC 0.00066.
gnomAD v4.1: 893 of 1,614,166 alleles (0.055%); highest among the groups gnomAD compares: African/African-American, 0.67%; 2 homozygotes.

Submissions (2):

CeGaT Center for Human Genetics Tuebingen
Classification: Likely benign. Last evaluated: 2022-10-01. Review status: criteria provided, single submitter. Criteria: CeGaT Center For Human Genetics Tuebingen Variant Classification Criteria Version 2. Collection method: clinical testing. Allele origin: germline. Affected: yes. Observed: 1 variant allele.
Comment: SLIT3: BP4, BP7

Labcorp Genetics (formerly Invitae), Labcorp
Classification: Benign. Last evaluated: 2018-07-26. Review status: criteria provided, single submitter. Criteria: Invitae Variant Classification Sherloc (09022015). Collection method: clinical testing. Allele origin: germline.

NM_003062.4(SLIT3):c.3033C>T (p.Cys1011=)

Gene: SLIT3 (slit guidance ligand 3; minus strand). Cytogenetic location: 5q34.
Variant type: single nucleotide variant.
Coding change: c.3033C>T on transcript NM_003062.4 (MANE Select); coding-DNA position 3033, C replaced by T.
Protein change: p.Cys1011=; no amino-acid change (cysteine 1011 retained).
Molecular consequence: synonymous variant.
Genome position (GRCh38, 1-based): chr5:168,696,341, G>A on the plus strand (C>T on the coding strand, the complement: SLIT3 is on the minus strand). VCF-style: chr5-168696341-G-A. GRCh37 (hg19) VCF-style: chr5-168123346-G-A.
Other names: c.3054C>T, p.Cys1018= (NM_001271946.2).
Identifiers: ClinVar variation 776101 (VCV000776101.27), dbSNP rs61746224, ClinGen allele CA3551058.